The following is an entry in ClinVar:

ClinVar aggregate classification (germline): Uncertain significance (1 of 4 stars; one submission).

Conditions:
Compton-North congenital myopathy (CMYO12). Identifiers: Orphanet 210163, MedGen C2675527, MONDO:0012929, OMIM 612540.

Allele frequency attached by ClinVar (database versions not stated): gnomAD exomes below 0.00001; TOPMed below 0.00001.
gnomAD v4.1: 2 of 1,613,350 alleles (0.00012%); highest among the groups gnomAD compares: Non-Finnish European, 0.00017%; no homozygotes.

Submission:

Labcorp Genetics (formerly Invitae), Labcorp
Classification: Uncertain significance for Compton-North congenital myopathy. Last evaluated: 2021-09-05. Review status: criteria provided, single submitter. Criteria: Invitae Variant Classification Sherloc (09022015). Collection method: clinical testing. Allele origin: germline.
Comment: In summary, the available evidence is currently insufficient to determine the role of this variant in disease. Therefore, it has been classified as a Variant of Uncertain Significance. This variant has not been reported in the literature in individuals affected with CNTN1-related conditions. This variant is not present in population databases (ExAC no frequency). This sequence change replaces aspartic acid with asparagine at codon 548 of the CNTN1 protein (p.Asp548Asn). The aspartic acid residue is highly conserved and there is a small physicochemical difference between aspartic acid and asparagine. Advanced modeling of protein sequence and biophysical properties (such as structural, functional, and spatial information, amino acid conservation, physicochemical variation, residue mobility, and thermodynamic stability) performed at Invitae indicates that this missense variant is not expected to disrupt CNTN1 protein function.

NM_001843.4(CNTN1):c.1642G>A (p.Asp548Asn)

Gene: CNTN1 (contactin 1; plus strand). Cytogenetic location: 12q12.
Variant type: single nucleotide variant.
Coding change: c.1642G>A on transcript NM_001843.4 (MANE Select); coding-DNA position 1642, G replaced by A.
Protein change: p.Asp548Asn; replaces aspartic acid 548 with asparagine.
Molecular consequence: missense variant.
Genome position (GRCh38, 1-based): chr12:40,944,129, G>A. VCF-style: chr12-40944129-G-A. GRCh37 (hg19) VCF-style: chr12-41337931-G-A.
Other names: c.1642G>A, p.Asp548Asn (NM_001256063.2, NM_001256064.2); c.1609G>A, p.Asp537Asn (NM_175038.2); short protein forms D537N, D548N.
Identifiers: ClinVar variation 1523207 (VCV001523207.6), dbSNP rs1805062496, ClinGen allele CA384425083.
Genomic context (GRCh38, chr12:40,944,129, plus strand): 5'-GCGTCCTTTGATCCTGCCTTGGATCTCACATTTGTTTGGTCCTTCAATGGCTATGTGATC[G>A]ATTTTAACAAAGAGAATATTCACTACCAGAGGAATTTTATGGTATGTGTTTTAAGTTTCA-3'
Protein context (NP_001834.2, residues 538-558): FVWSFNGYVI[Asp548Asn]FNKENIHYQR